The following is an entry in ClinVar:

NM_000535.7(PMS2):c.903+1G>T

Gene: PMS2 (PMS1 homolog 2, mismatch repair system component; minus strand). Cytogenetic location: 7p22.1.
Variant type: single nucleotide variant.
Coding change: c.903+1G>T on transcript NM_000535.7 (MANE Select); the canonical splice donor site of the intron after coding-DNA position 903, G replaced by T.
Molecular consequence: splice donor variant. On other transcripts: intron variant (4).
Genome position (GRCh38, 1-based): chr7:5,995,533, C>A on the plus strand (G>T on the coding strand, the complement: PMS2 is on the minus strand). VCF-style: chr7-5995533-C-A. GRCh37 (hg19) VCF-style: chr7-6035164-C-A.
Other names: c.585+1G>T (NM_001322008.2, NM_001406902.1, NM_001406883.1 and 4 more transcripts); c.594+1G>T (NM_001406881.1, NM_001406879.1, NM_001322015.2 and 6 more transcripts); c.498+1G>T (NM_001406895.1, NM_001322010.2, NM_001322004.2 and 19 more transcripts); c.133-3476G>T (NM_001406911.1); c.390+1G>T (NM_001406904.1, NM_001406905.1); c.330+1G>T (NM_001322013.2, NM_001406909.1); c.-31+1G>T (NM_001322012.2, NM_001322011.2); c.567+1G>T (NM_001406885.1); and 8 more.
Identifiers: ClinVar variation 492303 (VCV000492303.14), dbSNP rs1554300689, ClinGen allele CA366743394.

ClinVar aggregate classification (germline): Likely pathogenic. Review status: criteria provided, multiple submitters, no conflicts (2 of 4 stars). 4 submissions from 4 submitters: Likely pathogenic (4). Last evaluated 2024-01-16.

Conditions:
Hereditary cancer-predisposing syndrome. Also called: Hereditary neoplastic syndrome; Tumor predisposition; Hereditary Cancer Syndrome; Neoplastic Syndromes, Hereditary. Identifiers: Orphanet 140162, MedGen C0027672, MeSH D009386, MONDO:0015356.
Lynch syndrome 4 (LYNCH4). Also called: Colorectal cancer, hereditary nonpolyposis, type 4; Hereditary non-polyposis colorectal cancer, type 4. Identifiers: Orphanet 144, MedGen C1838333, MONDO:0013699, OMIM 614337. Disease mechanism: loss of function.
Hereditary nonpolyposis colorectal neoplasms. Identifiers: MedGen C0009405, MeSH D003123.

Submissions (4):

Labcorp Genetics (formerly Invitae), Labcorp
Classification: Likely pathogenic for Hereditary nonpolyposis colorectal neoplasms. Last evaluated: 2024-01-16. Review status: criteria provided, single submitter. Criteria: Invitae Variant Classification Sherloc (09022015). Collection method: clinical testing. Allele origin: germline.
Comment: This sequence change affects a donor splice site in intron 8 of the PMS2 gene. It is expected to disrupt RNA splicing. Variants that disrupt the donor or acceptor splice site typically lead to a loss of protein function (PMID: 16199547), and loss-of-function variants in PMS2 are known to be pathogenic (PMID: 21376568, 24362816). This variant is not present in population databases (gnomAD no frequency). Disruption of this splice site has been observed in individual(s) with colorectal cancer (PMID: 30608896). ClinVar contains an entry for this variant (Variation ID: 492303). Algorithms developed to predict the effect of sequence changes on RNA splicing suggest that this variant may disrupt the consensus splice site. In summary, the currently available evidence indicates that the variant is pathogenic, but additional data are needed to prove that conclusively. Therefore, this variant has been classified as Likely Pathogenic.

Myriad Genetics, Inc.
Classification: Likely pathogenic for Lynch syndrome 4. Last evaluated: 2023-09-19. Review status: criteria provided, single submitter. Criteria: Myriad Autosomal Dominant, Autosomal Recessive and X-Linked Classification Criteria (2023). Collection method: clinical testing. Allele origin: unknown.
Comment: This variant is considered likely pathogenic. This variant occurs within a consensus splice junction and is predicted to result in abnormal mRNA splicing of either an out-of-frame exon or an in-frame exon necessary for protein stability and/or normal function.

Ambry Genetics
Classification: Likely pathogenic for Hereditary cancer-predisposing syndrome. Last evaluated: 2020-07-17. Review status: criteria provided, single submitter. Criteria: Ambry Variant Classification Scheme 2023. Collection method: clinical testing. Allele origin: germline.
Comment: The c.903+1G>T intronic variant results from a G to T substitution one nucleotide after coding exon 8 of the PMS2 gene. This variant has been identified in a proband(s) whose Lynch syndrome-associated tumor demonstrated loss of PMS2 expression by immunohistochemistry (Ambry internal data). This variant is considered to be rare based on population cohorts in the Genome Aggregation Database (gnomAD). This nucleotide position is highly conserved in available vertebrate species. In silico splice site analysis predicts that this alteration will weaken the native splice donor site. RNA studies have demonstrated that this alteration results in abnormal splicing in the set of samples tested (Ambry internal data). Alterations that disrupt the canonical splice site are expected to cause aberrant splicing, resulting in an abnormal protein or a transcript that is subject to nonsense-mediated mRNA decay. As such, this alteration is classified as likely pathogenic.

Color Diagnostics, LLC DBA Color Health
Classification: Likely pathogenic for Hereditary cancer-predisposing syndrome. Last evaluated: 2018-11-23. Review status: criteria provided, single submitter. Criteria: ACMG Guidelines, 2015. Collection method: clinical testing. Allele origin: germline.

Literature cited by the submitters: PubMed 16199547 (cited by Labcorp Genetics (formerly Invitae), Labcorp); PubMed 21376568 (cited by Labcorp Genetics (formerly Invitae), Labcorp); PubMed 24362816 (cited by Labcorp Genetics (formerly Invitae), Labcorp); PubMed 30608896 (cited by Labcorp Genetics (formerly Invitae), Labcorp).